The following is an entry in ClinVar:

NM_000540.3(RYR1):c.10970A>G (p.Tyr3657Cys)

Gene: RYR1 (ryanodine receptor 1; plus strand). Cytogenetic location: 19q13.2.
Variant type: single nucleotide variant.
Coding change: c.10970A>G on transcript NM_000540.3 (MANE Select); coding-DNA position 10970, A replaced by G.
Protein change: p.Tyr3657Cys; replaces tyrosine 3657 with cysteine.
Molecular consequence: missense variant.
Genome position (GRCh38, 1-based): chr19:38,528,631, A>G. VCF-style: chr19-38528631-A-G. GRCh37 (hg19) VCF-style: chr19-39019271-A-G.
Other names: c.10955A>G, p.Tyr3652Cys (NM_001042723.2); short protein forms Y3652C, Y3657C.
Identifiers: ClinVar variation 1306987 (VCV001306987.7), dbSNP rs748470645, ClinGen allele CA055481.

ClinVar aggregate classification (germline): Uncertain significance. Review status: criteria provided, multiple submitters, no conflicts (2 of 4 stars). 3 submissions from 3 submitters: Uncertain significance (3). Last evaluated 2024-08-05.

Conditions:
RYR1-related disorder. Also called: RYR1-related condition; RYR1-related disorders. Identifiers: MedGen CN239331.

Allele frequency attached by ClinVar (database versions not stated): ExAC 0.00001; gnomAD exomes 0.00001 and 0.00002; gnomAD 0.00002; TOPMed 0.00002.
gnomAD v4.1: 16 of 1,614,096 alleles (0.00099%); highest among the groups gnomAD compares: Admixed American, 0.01%; no homozygotes.

Submissions (3):

Labcorp Genetics (formerly Invitae), Labcorp
Classification: Uncertain significance for RYR1-related disorder. Last evaluated: 2024-08-05. Review status: criteria provided, single submitter. Criteria: Invitae Variant Classification Sherloc (09022015). Collection method: clinical testing. Allele origin: germline.
Comment: This sequence change replaces tyrosine, which is neutral and polar, with cysteine, which is neutral and slightly polar, at codon 3657 of the RYR1 protein (p.Tyr3657Cys). This variant is present in population databases (rs748470645, gnomAD 0.01%). This variant has not been reported in the literature in individuals affected with RYR1-related conditions. ClinVar contains an entry for this variant (Variation ID: 1306987). Advanced modeling of protein sequence and biophysical properties (such as structural, functional, and spatial information, amino acid conservation, physicochemical variation, residue mobility, and thermodynamic stability) performed at Invitae indicates that this missense variant is expected to disrupt RYR1 protein function with a positive predictive value of 95%. In summary, the available evidence is currently insufficient to determine the role of this variant in disease. Therefore, it has been classified as a Variant of Uncertain Significance.

Institute for Clinical Genetics, University Hospital TU Dresden, University Hospital TU Dresden
Classification: Uncertain significance. Last evaluated: 2022-04-27. Review status: criteria provided, single submitter. Criteria: ACMG Guidelines, 2015. Collection method: clinical testing. Allele origin: maternal.
Comment: PP3, PM2_SUP

GeneDx
Classification: Uncertain significance. Last evaluated: 2019-07-02. Review status: criteria provided, single submitter. Criteria: GeneDx Variant Classification Process June 2021. Collection method: clinical testing. Allele origin: germline. Affected: yes.
Comment: Not observed at a significant frequency in large population cohorts (Lek et al., 2016); In silico analysis, which includes protein predictors and evolutionary conservation, supports a deleterious effect; Has not been previously published as pathogenic or benign to our knowledge